The following is an entry in ClinVar:

ClinVar aggregate classification (germline): Uncertain significance. Review status: criteria provided, single submitter (1 of 4 stars). 2 submissions from 2 submitters: Uncertain significance (1). 1 of the submissions does not count toward it. Last evaluated 2013-02-08.

Conditions:
Hyperbilirubinemia. Identifiers: MedGen C0311468, MONDO:0024288, HP:0002904.
Crigler-Najjar syndrome type 1. Also called: HYPERBILIRUBINEMIA, CRIGLER-NAJJAR TYPE I. Identifiers: Orphanet 79234, MedGen C0010324, MONDO:0021020, OMIM 218800.

Allele frequency attached by ClinVar (database versions not stated): gnomAD exomes below 0.00001; ExAC 0.00002.
gnomAD v4.1: 3 of 1,614,116 alleles (0.00019%); highest among the groups gnomAD compares: South Asian, 0.0033%; no homozygotes.

Submissions (2):

Genetic Services Laboratory, University of Chicago
Classification: Uncertain significance for Hyperbilirubinemia. Last evaluated: 2013-02-08. Review status: criteria provided, single submitter. Criteria: ACMG Guidelines, 2007. Collection method: clinical testing. Allele origin: germline. Inheritance: Autosomal recessive inheritance.

Neonatal Research Center, Shiraz University of Medical Science
Classification: Likely pathogenic for Crigler-Najjar syndrome type 1. Last evaluated: 2021-02-03. Review status: no assertion criteria provided. Collection method: research. Allele origin: germline. Inheritance: Autosomal recessive inheritance. Affected: yes. Observed: 1 variant allele, 1 homozygote. Not counted in ClinVar's aggregate classification.
Comment: Phenobarbital has no role in the decrease of unconjugated bilirubin levels. Most predictors showed that the c.479T>A (p.Val160Glu) mutation is deleterious, damaging, and likely disease-causing.

NM_000463.3(UGT1A1):c.479T>A (p.Val160Glu)

Genes: UGT1A8 (UDP glucuronosyltransferase family 1 member A8; plus strand), UGT1A (UDP glucuronosyltransferase family 1 member A complex locus; plus strand), UGT1A5 (UDP glucuronosyltransferase family 1 member A5; plus strand), UGT1A7 (UDP glucuronosyltransferase family 1 member A7; plus strand), UGT1A6 (UDP glucuronosyltransferase family 1 member A6; plus strand) and 5 more. Cytogenetic location: 2q37.1.
Variant type: single nucleotide variant.
Coding change: c.479T>A on transcript NM_000463.3 (MANE Select); coding-DNA position 479, T replaced by A.
Protein change: p.Val160Glu; replaces valine 160 with glutamic acid.
Molecular consequence: missense variant. On other transcripts: intron variant (9).
Genome position (GRCh38, 1-based): chr2:233,760,766, T>A. VCF-style: chr2-233760766-T-A. GRCh37 (hg19) VCF-style: chr2-234669412-T-A.
Other names: c.856-6268T>A (NM_019076.5, NM_019075.4, NM_021027.3 and 1 more transcripts); c.61-6268T>A (NM_205862.3); c.862-6268T>A (NM_001072.4); c.868-6268T>A (NM_019078.2, NM_007120.3, NM_019093.4); short protein forms V160E.
Identifiers: ClinVar variation 160238 (VCV000160238.9), dbSNP rs587784540, ClinGen allele CA173880.